The following is an entry in ClinVar:

NM_005026.5(PIK3CD):c.1774G>A (p.Val592Ile)

Gene: PIK3CD (phosphatidylinositol-4,5-bisphosphate 3-kinase catalytic subunit delta; plus strand). Cytogenetic location: 1p36.22.
Variant type: single nucleotide variant.
Coding change: c.1774G>A on transcript NM_005026.5 (MANE Select); coding-DNA position 1774, G replaced by A.
Protein change: p.Val592Ile; replaces valine 592 with isoleucine.
Molecular consequence: missense variant.
Genome position (GRCh38, 1-based): chr1:9,721,211, G>A. VCF-style: chr1-9721211-G-A. GRCh37 (hg19) VCF-style: chr1-9781269-G-A.
Other names: c.1771G>A, p.Val591Ile (NM_001350234.2); c.1687G>A, p.Val563Ile (NM_001350235.1); short protein forms V591I, V592I, V563I.
Identifiers: ClinVar variation 844529 (VCV000844529.6), dbSNP rs893249484, ClinGen allele CA17780647.

ClinVar aggregate classification (germline): Uncertain significance (1 of 4 stars; one submission).

Conditions:
Immunodeficiency 14 (IMD14A). Also called: p110-DELTA-ACTIVATING MUTATION CAUSING SENESCENT T CELLS, LYMPHADENOPATHY, AND IMMUNODEFICIENCY; Activated PI3K Delta Syndrome Type 1 (APDS1); ACTIVATED PI3K-DELTA SYNDROME 1; IMMUNODEFICIENCY 14A WITH LYMPHOPROLIFERATION, AUTOSOMAL DOMINANT. Identifiers: Orphanet 397596, Orphanet 693661, MedGen C5907821, MONDO:0014222, OMIM 615513.

Allele frequency attached by ClinVar (database versions not stated): gnomAD exomes 0.00002 and 0.00001; TOPMed 0.00002; gnomAD 0.00001.
gnomAD v4.1: 32 of 1,613,328 alleles (0.002%); highest among the groups gnomAD compares: Non-Finnish European, 0.0025%; no homozygotes.

Submission:

Labcorp Genetics (formerly Invitae), Labcorp
Classification: Uncertain significance for Activated PI3K-delta syndrome. Last evaluated: 2024-12-05. Review status: criteria provided, single submitter. Criteria: Invitae Variant Classification Sherloc (09022015). Collection method: clinical testing. Allele origin: germline.
Comment: This sequence change replaces valine, which is neutral and non-polar, with isoleucine, which is neutral and non-polar, at codon 592 of the PIK3CD protein (p.Val592Ile). This variant is present in population databases (no rsID available, gnomAD 0.005%). This variant has not been reported in the literature in individuals affected with PIK3CD-related conditions. ClinVar contains an entry for this variant (Variation ID: 844529). Invitae Evidence Modeling of protein sequence and biophysical properties (such as structural, functional, and spatial information, amino acid conservation, physicochemical variation, residue mobility, and thermodynamic stability) indicates that this missense variant is expected to disrupt PIK3CD protein function with a positive predictive value of 80%. In summary, the available evidence is currently insufficient to determine the role of this variant in disease. Therefore, it has been classified as a Variant of Uncertain Significance.